The following is an entry in ClinVar:

ClinVar aggregate classification (germline): Pathogenic (1 of 4 stars; one submission).

Conditions:
Tuberous sclerosis 1 (TSC1). Identifiers: Orphanet 805, MedGen C1854465, MONDO:0008612, OMIM 191100.

Submission:

Labcorp Genetics (formerly Invitae), Labcorp
Classification: Pathogenic for Tuberous sclerosis 1. Last evaluated: 2024-09-14. Review status: criteria provided, single submitter. Criteria: Invitae Variant Classification Sherloc (09022015). Collection method: clinical testing. Allele origin: germline.
Comment: This sequence change affects a splice site in intron 6 of the TSC1 gene. It is expected to disrupt RNA splicing. Variants that disrupt the donor or acceptor splice site typically lead to a loss of protein function (PMID: 16199547), and loss-of-function variants in TSC1 are known to be pathogenic (PMID: 10227394, 17304050). This variant is not present in population databases (gnomAD no frequency). Disruption of this splice site has been observed in individual(s) with clinical features of tuberous sclerosis complex (internal data). Algorithms developed to predict the effect of sequence changes on RNA splicing suggest that this variant may disrupt the consensus splice site. For these reasons, this variant has been classified as Pathogenic.

Literature cited by the submitters: PubMed 16199547; PubMed 10227394; PubMed 17304050.

NM_000368.5(TSC1):c.509-8_509-1del

Gene: TSC1 (TSC complex subunit 1; minus strand). Cytogenetic location: 9q34.13.
Variant type: Deletion.
Coding change: c.509-8_509-1del on transcript NM_000368.5 (MANE Select); 8 bases into the intron before coding-DNA position 509 through the canonical splice acceptor site of the intron before coding-DNA position 509, 8 bases deleted (TTTTCTAG; older notation c.509-8_509-1delTTTTCTAG).
Molecular consequence: splice acceptor variant.
Genome position (GRCh38, 1-based): chr9:132,921,974-132,921,981, CTAGAAAA deleted on the plus strand (TTTTCTAG on the coding strand, the reverse complement: TSC1 is on the minus strand). VCF-style (leftmost placement, unchanged base first): chr9-132921973-CCTAGAAAA-C. GRCh37 (hg19) VCF-style: chr9-135797360-CCTAGAAAA-C.
Other names: c.146-8_146-1del (NM_001406620.1, NM_001406618.1, NM_001406625.1 and 10 more transcripts); c.356-8_356-1del (NM_001406613.1, NM_001406612.1, NM_001406610.1 and 2 more transcripts); c.-369-8_-369-1del (NM_001406627.1, NM_001406628.1, NM_001406626.1); c.-511-8_-511-1del (NM_001406629.1); c.509-8_509-1del (NM_001406603.1, NM_001406609.1, NM_001406597.1 and 16 more transcripts); c.-585-8_-585-1del (NM_001406630.1).
Identifiers: ClinVar variation 3716959 (VCV003716959.2).
Genomic context (GRCh38, chr9:132,921,973, plus strand): 5'-CGATGAAAGAGTGCGTACACACTGGCATGGAGATGGACGAGATAGACTTCCGCCACGTGG[CCTAGAAAA>C]GGAACCCGTTGAGAAGAGCCTCTTAGTTGGAGACAGATTGAGGAGTGCAAAACAGCTATA-3'